The following is an entry in ClinVar:

NM_006846.4(SPINK5):c.136C>T (p.Gln46Ter)

Gene: SPINK5 (serine peptidase inhibitor Kazal type 5; plus strand). Cytogenetic location: 5q32.
Variant type: single nucleotide variant.
Coding change: c.136C>T on transcript NM_006846.4 (MANE Select); coding-DNA position 136, C replaced by T.
Protein change: p.Gln46Ter; replaces glutamine 46 with a stop codon.
Molecular consequence: nonsense.
Genome position (GRCh38, 1-based): chr5:148,070,377, C>T. VCF-style: chr5-148070377-C-T. GRCh37 (hg19) VCF-style: chr5-147449940-C-T.
Other names: c.136C>T, p.Gln46Ter (NM_001127698.2, NM_001127699.2); short protein forms Q46*.
Identifiers: ClinVar variation 265441 (VCV000265441.2), dbSNP rs886039547, ClinGen allele CA10588394.

ClinVar aggregate classification (germline): Pathogenic (1 of 4 stars; one submission).

Submission:

GeneDx
Classification: Pathogenic. Last evaluated: 2016-07-19. Review status: criteria provided, single submitter. Criteria: GeneDx Variant Classification (06012015). Collection method: clinical testing. Allele origin: germline. Affected: yes.
Comment: The Q46X pathogenic variant in the SPINK5 gene has been reported previously in association withNetherton syndrome, in an affected individual who was heterzygous for the Q46X variant and anotherpathogenic variant (Sprecher et al., 2001). This variant is predicted to cause loss of normal proteinfunction either through protein truncation or nonsense-mediated mRNA decay. The Q46X variant wasnot observed in approximately 5,900 individuals of European and African American ancestry in theNHLBI Exome Sequencing Project, indicating it is not a common benign variant in these populations.We interpret Q46X as a pathogenic variant.